The following is an entry in ClinVar:

NM_000179.3(MSH6):c.3263T>C (p.Phe1088Ser)

Gene: MSH6 (mutS homolog 6; plus strand). Cytogenetic location: 2p16.3.
Variant type: single nucleotide variant.
Coding change: c.3263T>C on transcript NM_000179.3 (MANE Select); coding-DNA position 3263, T replaced by C.
Protein change: p.Phe1088Ser; replaces phenylalanine 1088 with serine.
Molecular consequence: missense variant.
Genome position (GRCh38, 1-based): chr2:47,803,510, T>C. VCF-style: chr2-47803510-T-C. GRCh37 (hg19) VCF-style: chr2-48030649-T-C.
Other names: c.2873T>C, p.Phe958Ser (NM_001281492.2); c.2357T>C, p.Phe786Ser (NM_001281493.2, NM_001281494.2); short protein forms F1088S, F786S, F958S.
Identifiers: ClinVar variation 926100 (VCV000926100.3), dbSNP rs775248712, ClinGen allele CA346758162.

ClinVar aggregate classification (germline): Uncertain significance. Review status: criteria provided, multiple submitters, no conflicts (2 of 4 stars). 2 submissions from 2 submitters: Uncertain significance (2). Last evaluated 2025-12-17.

Conditions:
Hereditary cancer-predisposing syndrome. Also called: Neoplastic Syndromes, Hereditary; Tumor predisposition; Hereditary Cancer Syndrome; Hereditary neoplastic syndrome. Identifiers: Orphanet 140162, MedGen C0027672, MeSH D009386, MONDO:0015356.
Hereditary nonpolyposis colorectal neoplasms. Identifiers: MedGen C0009405, MeSH D003123.

gnomAD v4.1: 2 of 1,614,092 alleles (0.00012%); highest among the groups gnomAD compares: South Asian, 0.0022%; no homozygotes.

Submissions (2):

Labcorp Genetics (formerly Invitae), Labcorp
Classification: Uncertain significance for Hereditary nonpolyposis colorectal neoplasms. Last evaluated: 2025-12-17. Review status: criteria provided, single submitter. Criteria: Invitae Variant Classification Sherloc (09022015). Collection method: clinical testing. Allele origin: germline.
Comment: This sequence change replaces phenylalanine, which is neutral and non-polar, with serine, which is neutral and polar, at codon 1088 of the MSH6 protein (p.Phe1088Ser). This variant is not present in population databases (gnomAD no frequency). This variant has not been reported in the literature in individuals affected with MSH6-related conditions. ClinVar contains an entry for this variant (Variation ID: 926100). Invitae Evidence Modeling of protein sequence and biophysical properties (such as structural, functional, and spatial information, amino acid conservation, physicochemical variation, residue mobility, and thermodynamic stability) has been performed for this missense variant. However, the output from this modeling did not meet the statistical confidence thresholds required to predict the impact of this variant on MSH6 protein function. In summary, the available evidence is currently insufficient to determine the role of this variant in disease. Therefore, it has been classified as a Variant of Uncertain Significance.

Color Diagnostics, LLC DBA Color Health
Classification: Uncertain significance for Hereditary cancer-predisposing syndrome. Last evaluated: 2018-12-06. Review status: criteria provided, single submitter. Criteria: ACMG Guidelines, 2015. Collection method: clinical testing. Allele origin: germline.